The following is an entry in ClinVar:

NM_001386298.1(CIC):c.6617C>T (p.Pro2206Leu)

Gene: CIC (capicua transcriptional repressor; plus strand). Cytogenetic location: 19q13.2.
Variant type: single nucleotide variant.
Coding change: c.6617C>T on transcript NM_001386298.1 (MANE Select); coding-DNA position 6617, C replaced by T.
Protein change: p.Pro2206Leu; replaces proline 2206 with leucine.
Molecular consequence: missense variant.
Genome position (GRCh38, 1-based): chr19:42,293,686, C>T. VCF-style: chr19-42293686-C-T. GRCh37 (hg19) VCF-style: chr19-42797838-C-T.
Other names: c.6617C>T, p.Pro2206Leu (NM_001304815.2, NM_001379482.1); c.6614C>T, p.Pro2205Leu (NM_001379480.1); c.3890C>T, p.Pro1297Leu (NM_001379484.1, NM_001379485.1, NM_015125.5); short protein forms P1297L, P2205L, P2206L.
Identifiers: ClinVar variation 4070726 (VCV004070726.1).

ClinVar aggregate classification (germline): Uncertain significance (1 of 4 stars; one submission).

Submission:

GeneDx
Classification: Uncertain significance. Last evaluated: 2025-01-15. Review status: criteria provided, single submitter. Criteria: GeneDx Variant Classification Process June 2021. Collection method: clinical testing. Allele origin: germline. Affected: yes.
Comment: Not observed at significant frequency in large population cohorts (gnomAD); In silico analysis indicates that this missense variant does not alter protein structure/function; Has not been previously published as pathogenic or benign to our knowledge